The following is an entry in ClinVar:

NM_183050.4(BCKDHB):c.500A>G (p.Tyr167Cys)

Gene: BCKDHB (branched chain keto acid dehydrogenase E1 subunit beta; plus strand). Cytogenetic location: 6q14.1.
Variant type: single nucleotide variant.
Coding change: c.500A>G on transcript NM_183050.4 (MANE Select); coding-DNA position 500, A replaced by G.
Protein change: p.Tyr167Cys; replaces tyrosine 167 with cysteine.
Molecular consequence: missense variant. On other transcripts: non-coding transcript variant (6).
Genome position (GRCh38, 1-based): chr6:80,168,897, A>G. VCF-style: chr6-80168897-A-G. GRCh37 (hg19) VCF-style: chr6-80878614-A-G.
Other names: c.500A>G, p.Tyr167Cys (NM_000056.5, NM_001424035.1, NM_001424036.1 and 8 more transcripts); c.290A>G, p.Tyr97Cys (NM_001318975.1, NM_001424043.1); short protein forms Y167C, Y97C.
Identifiers: ClinVar variation 4881186 (VCV004881186.2).

ClinVar aggregate classification (germline): Uncertain significance (1 of 4 stars; one submission).

Submission:

Dasa
Classification: Uncertain significance. Last evaluated: 2025-02-13. Review status: criteria provided, single submitter. Criteria: DASA Assertion Criteria. Collection method: clinical testing. Allele origin: germline.
Comment: NM_183050.4(BCKDHB):c.500A>G (p.Tyr167Cys) is a missense variant that results in the substitution of tyrosine with cysteine. The affected residue or protein region has prior evidence supporting clinical relevance. This variant is absent from population databases. Computational prediction algorithms are consistent with a deleterious effect. The currently available literature and clinical evidence are not sufficient to establish a definitive association between this variant and the reported condition. Therefore, this variant is classified as a variant of uncertain significance.